The following is an entry in ClinVar:

NM_000179.3(MSH6):c.2062G>A (p.Val688Ile)

Gene: MSH6 (mutS homolog 6; plus strand). Cytogenetic location: 2p16.3.
Variant type: single nucleotide variant.
Coding change: c.2062G>A on transcript NM_000179.3 (MANE Select); coding-DNA position 2062, G replaced by A.
Protein change: p.Val688Ile; replaces valine 688 with isoleucine.
Molecular consequence: missense variant.
Genome position (GRCh38, 1-based): chr2:47,800,045, G>A. VCF-style: chr2-47800045-G-A. GRCh37 (hg19) VCF-style: chr2-48027184-G-A.
Other names: c.1672G>A, p.Val558Ile (NM_001281492.2); c.1156G>A, p.Val386Ile (NM_001281493.2, NM_001281494.2); short protein forms V386I, V558I, V688I.
Identifiers: ClinVar variation 1685806 (VCV001685806.5), dbSNP rs1201347192, ClinGen allele CA346750778.

ClinVar aggregate classification (germline): Conflicting classifications of pathogenicity. Review status: criteria provided, conflicting classifications (1 of 4 stars). 3 submissions from 3 submitters: Uncertain significance (1); Benign (1); Likely benign (1). Last evaluated 2022-06-26.

Conditions:
Hereditary cancer-predisposing syndrome. Also called: Hereditary Cancer Syndrome; Hereditary neoplastic syndrome; Neoplastic Syndromes, Hereditary; Tumor predisposition. Identifiers: Orphanet 140162, MedGen C0027672, MeSH D009386, MONDO:0015356.
Hereditary nonpolyposis colorectal neoplasms. Identifiers: MedGen C0009405, MeSH D003123.

gnomAD v4.1: 1 of 1,614,106 alleles (0.000062%); highest among the groups gnomAD compares: East Asian, 0.0022%; no homozygotes.

Submissions (3):

Labcorp Genetics (formerly Invitae), Labcorp
Classification: Uncertain significance for Hereditary nonpolyposis colorectal neoplasms. Last evaluated: 2022-06-26. Review status: criteria provided, single submitter. Criteria: Invitae Variant Classification Sherloc (09022015). Collection method: clinical testing. Allele origin: germline.
Comment: This sequence change replaces valine, which is neutral and non-polar, with isoleucine, which is neutral and non-polar, at codon 688 of the MSH6 protein (p.Val688Ile). This variant is not present in population databases (gnomAD no frequency). This variant has not been reported in the literature in individuals affected with MSH6-related conditions. Advanced modeling of protein sequence and biophysical properties (such as structural, functional, and spatial information, amino acid conservation, physicochemical variation, residue mobility, and thermodynamic stability) performed at Invitae indicates that this missense variant is not expected to disrupt MSH6 protein function. In summary, the available evidence is currently insufficient to determine the role of this variant in disease. Therefore, it has been classified as a Variant of Uncertain Significance.

Mendelics
Classification: Benign. Last evaluated: 2022-05-04. Review status: criteria provided, single submitter. Criteria: Mendelics Assertion Criteria 2019. Collection method: clinical testing. Allele origin: germline.

Ambry Genetics
Classification: Likely benign for Hereditary cancer-predisposing syndrome. Last evaluated: 2018-02-12. Review status: criteria provided, single submitter. Criteria: Ambry Variant Classification Scheme 2023. Collection method: clinical testing. Allele origin: germline.